The following is an entry in ClinVar:

NM_001267550.2(TTN):c.66735T>G (p.Asp22245Glu)

Genes: TTN (titin; minus strand), TTN-AS1 (TTN antisense RNA 1; plus strand). Cytogenetic location: 2q31.2.
Variant type: single nucleotide variant.
Coding change: c.66735T>G on transcript NM_001267550.2 (MANE Select); coding-DNA position 66735, T replaced by G.
Protein change: p.Asp22245Glu; replaces aspartic acid 22245 with glutamic acid.
Molecular consequence: missense variant.
Genome position (GRCh38, 1-based): chr2:178,581,533, A>C on the plus strand (T>G on the coding strand, the complement: TTN is on the minus strand). VCF-style: chr2-178581533-A-C. GRCh37 (hg19) VCF-style: chr2-179446260-A-C.
Other names: c.61812T>G, p.Asp20604Glu (NM_001256850.1); c.39540T>G, p.Asp13180Glu (NM_003319.4); c.59031T>G, p.Asp19677Glu (NM_133378.4); c.39915T>G, p.Asp13305Glu (NM_133432.3); c.40116T>G, p.Asp13372Glu (NM_133437.4); short protein forms D13180E, D13305E, D13372E, D19677E, D20604E, D22245E.
Identifiers: ClinVar variation 3234229 (VCV003234229.20), dbSNP rs1306264861, ClinGen allele CA349428139.
Genomic context (GRCh38, chr2:178,581,533, plus strand): 5'-TATGTACTCCCCCTGGTAATACTTACTTAAGATGTCCTTGGGATAGTGTTTATCTGGCAC[A>C]TCACTGGGGTCACTGTATCCAATCTTATTAACGGCATACACACGGAATTGATATTGTGTG-3'
Protein context (NP_001254479.2, residues 22235-22255): VNKIGYSDPS[Asp22245Glu]VPDKHYPKDI

ClinVar aggregate classification (germline): Uncertain significance (1 of 4 stars; one submission).

Allele frequency attached by ClinVar (database versions not stated): gnomAD exomes 0.00001.
gnomAD v4.1: 7 of 1,607,332 alleles (0.00044%); highest among the groups gnomAD compares: Non-Finnish European, 0.0006%; no homozygotes.

Submission:

CeGaT Center for Human Genetics Tuebingen
Classification: Uncertain significance. Last evaluated: 2024-04-01. Review status: criteria provided, single submitter. Criteria: CeGaT Center For Human Genetics Tuebingen Variant Classification Criteria Version 2. Collection method: clinical testing. Allele origin: germline. Affected: yes. Observed: 1 variant allele.
Comment: TTN: PM2